The following is an entry in ClinVar:

ClinVar aggregate classification (germline): Uncertain significance (1 of 4 stars; one submission).

Conditions:
MYH10-related disorder. Also called: MYH10-related condition.

Allele frequency attached by ClinVar (database versions not stated): gnomAD exomes 0.00001; TOPMed 0.00002; gnomAD 0.00003.
gnomAD v4.1: 27 of 1,613,932 alleles (0.0017%); highest among the groups gnomAD compares: Non-Finnish European, 0.0021%; no homozygotes.

Submission:

PreventionGenetics, part of Exact Sciences
Classification: Uncertain significance for MYH10-related condition. Last evaluated: 2023-08-29. Review status: criteria provided, single submitter. Criteria: ACMG Guidelines, 2015. Collection method: clinical testing. Allele origin: germline.
Comment: The MYH10 c.5710G>C variant is predicted to result in the amino acid substitution p.Glu1904Gln. To our knowledge, this variant has not been reported in the literature. This variant is reported in 0.0015% of alleles in individuals of European (Non-Finnish) descent in gnomAD. At this time, the clinical significance of this variant is uncertain due to the absence of conclusive functional and genetic evidence.

NM_001256012.3(MYH10):c.5710G>C (p.Glu1904Gln)

Genes: MYH10 (myosin heavy chain 10; minus strand), LOC125177414 (Sharpr-MPRA regulatory region 9669; plus strand). Cytogenetic location: 17p13.1.
Variant type: single nucleotide variant.
Coding change: c.5710G>C on transcript NM_001256012.3 (MANE Select); coding-DNA position 5710, G replaced by C.
Protein change: p.Glu1904Gln; replaces glutamic acid 1904 with glutamine.
Molecular consequence: missense variant.
Genome position (GRCh38, 1-based): chr17:8,477,045, C>G on the plus strand (G>C on the coding strand, the complement: MYH10 is on the minus strand). VCF-style: chr17-8477045-C-G. GRCh37 (hg19) VCF-style: chr17-8380363-C-G.
Other names: c.5644G>C, p.Glu1882Gln (NM_001256095.2); c.5647G>C, p.Glu1883Gln (NM_001375266.1); c.5617G>C, p.Glu1873Gln (NM_005964.5); short protein forms E1873Q, E1882Q, E1883Q, E1904Q.
Identifiers: ClinVar variation 2636700 (VCV002636700.1), dbSNP rs764632417, ClinGen allele CA287619099.